The following is an entry in ClinVar:

NM_001127222.2(CACNA1A):c.3830G>A (p.Arg1277Gln)

Gene: CACNA1A (calcium voltage-gated channel subunit alpha1 A; minus strand). Cytogenetic location: 19p13.13.
Variant type: single nucleotide variant.
Coding change: c.3830G>A on transcript NM_001127222.2 (MANE Select); coding-DNA position 3830, G replaced by A.
Protein change: p.Arg1277Gln; replaces arginine 1277 with glutamine.
Molecular consequence: missense variant.
Genome position (GRCh38, 1-based): chr19:13,277,121, C>T on the plus strand (G>A on the coding strand, the complement: CACNA1A is on the minus strand). VCF-style: chr19-13277121-C-T. GRCh37 (hg19) VCF-style: chr19-13387935-C-T.
Other names: c.3842G>A, p.Arg1281Gln (NM_000068.4, NM_023035.3); c.3833G>A, p.Arg1278Gln (NM_001127221.2, NM_001174080.2); short protein forms R1278Q, R1281Q, R1277Q.
Identifiers: ClinVar variation 1483785 (VCV001483785.6), dbSNP rs372344357, ClinGen allele CA9240176.

ClinVar aggregate classification (germline): Uncertain significance (1 of 4 stars; one submission).

Conditions:
Developmental and epileptic encephalopathy, 42 (DEE42A). Also called: DEVELOPMENTAL AND EPILEPTIC ENCEPHALOPATHY 42A; EPILEPTIC ENCEPHALOPATHY, EARLY INFANTILE, 42A; Epileptic encephalopathy, early infantile, 42. Identifiers: MedGen C4310716, MONDO:0014917, OMIM 617106.
Episodic ataxia type 2 (EA2). Also called: ATAXIA, EPISODIC, WITH NYSTAGMUS; ATAXIA, FAMILIAL PAROXYSMAL; CEREBELLAR ATAXIA, PAROXYSMAL, ACETAZOLAMIDE-RESPONSIVE; CEREBELLOPATHY, HEREDITARY PAROXYSMAL; EPISODIC ATAXIA, NYSTAGMUS-ASSOCIATED; ACETAZOLAMIDE-RESPONSIVE HEREDITARY PAROXYSMAL CEREBELLAR ATAXIA. Identifiers: Orphanet 97, MedGen C1720416, MONDO:0007163, OMIM 108500.

Allele frequency attached by ClinVar (database versions not stated): gnomAD exomes below 0.00001; TOPMed below 0.00001; ExAC 0.00001; gnomAD 0.00001; ESP Exome Variant Server 0.00008.
gnomAD v4.1: 2 of 1,611,430 alleles (0.00012%); highest among the groups gnomAD compares: Non-Finnish European, 0.000085%; no homozygotes.

Submission:

Labcorp Genetics (formerly Invitae), Labcorp
Classification: Uncertain significance for Developmental and epileptic encephalopathy, 42; Episodic ataxia type 2. Last evaluated: 2024-09-27. Review status: criteria provided, single submitter. Criteria: Invitae Variant Classification Sherloc (09022015). Collection method: clinical testing. Allele origin: germline.
Comment: This sequence change replaces arginine, which is basic and polar, with glutamine, which is neutral and polar, at codon 1278 of the CACNA1A protein (p.Arg1278Gln). This variant is not present in population databases (gnomAD no frequency). This variant has not been reported in the literature in individuals affected with CACNA1A-related conditions. ClinVar contains an entry for this variant (Variation ID: 1483785). Invitae Evidence Modeling of protein sequence and biophysical properties (such as structural, functional, and spatial information, amino acid conservation, physicochemical variation, residue mobility, and thermodynamic stability) indicates that this missense variant is not expected to disrupt CACNA1A protein function with a negative predictive value of 95%. In summary, the available evidence is currently insufficient to determine the role of this variant in disease. Therefore, it has been classified as a Variant of Uncertain Significance.